The following is an entry in ClinVar:

ClinVar aggregate classification (germline): Uncertain significance (1 of 4 stars; one submission).

Conditions:
TMEM165-congenital disorder of glycosylation. Also called: Congenital disorder of glycosylation type 2k; CDG IIk; TMEM165-CDG. Identifiers: Orphanet 314667, MedGen C3553571, MONDO:0013870, OMIM 614727.

Allele frequency attached by ClinVar (database versions not stated): gnomAD 0.00001; TOPMed 0.00002.
gnomAD v4.1: 6 of 1,475,280 alleles (0.00041%); highest among the groups gnomAD compares: African/African-American, 0.0029%; no homozygotes.

Submission:

Labcorp Genetics (formerly Invitae), Labcorp
Classification: Uncertain significance for TMEM165-congenital disorder of glycosylation. Last evaluated: 2022-04-10. Review status: criteria provided, single submitter. Criteria: Invitae Variant Classification Sherloc (09022015). Collection method: clinical testing. Allele origin: germline.
Comment: This sequence change replaces arginine, which is basic and polar, with tryptophan, which is neutral and slightly polar, at codon 15 of the TMEM165 protein (p.Arg15Trp). This variant is present in population databases (no rsID available, gnomAD no frequency). This variant has not been reported in the literature in individuals affected with TMEM165-related conditions. Algorithms developed to predict the effect of missense changes on protein structure and function output the following: SIFT: "Deleterious"; PolyPhen-2: "Not Available"; Align-GVGD: "Class C0". The tryptophan amino acid residue is found in multiple mammalian species, which suggests that this missense change does not adversely affect protein function. In summary, the available evidence is currently insufficient to determine the role of this variant in disease. Therefore, it has been classified as a Variant of Uncertain Significance.

NM_018475.5(TMEM165):c.43C>T (p.Arg15Trp)

Genes: TMEM165 (transmembrane protein 165; plus strand), LOC129992613 (ATAC-STARR-seq lymphoblastoid silent region 15439; plus strand). Cytogenetic location: 4q12.
Variant type: single nucleotide variant.
Coding change: c.43C>T on transcript NM_018475.5 (MANE Select); coding-DNA position 43, C replaced by T.
Protein change: p.Arg15Trp; replaces arginine 15 with tryptophan.
Molecular consequence: missense variant. On other transcripts: non-coding transcript variant (1).
Genome position (GRCh38, 1-based): chr4:55,396,232, C>T. VCF-style: chr4-55396232-C-T. GRCh37 (hg19) VCF-style: chr4-56262399-C-T.
Other names: short protein forms R15W.
Identifiers: ClinVar variation 1930916 (VCV001930916.2), dbSNP rs900598742, ClinGen allele CA97484486.